The following is an entry in ClinVar:

ClinVar aggregate classification (germline): Uncertain significance. Review status: criteria provided, multiple submitters, no conflicts (2 of 4 stars). 4 submissions from 4 submitters: Uncertain significance (4). Last evaluated 2025-02-26.

Conditions:
Inborn genetic diseases. Identifiers: MedGen C0950123, MeSH D030342.

Allele frequency attached by ClinVar (database versions not stated): gnomAD exomes below 0.00001; gnomAD 0.00001; TOPMed 0.00001.
gnomAD v4.1: 3 of 1,613,984 alleles (0.00019%); highest among the groups gnomAD compares: Non-Finnish European, 0.00025%; no homozygotes.

Submissions (4):

Ambry Genetics
Classification: Uncertain significance for Inborn genetic diseases. Last evaluated: 2025-02-26. Review status: criteria provided, single submitter. Criteria: Ambry Variant Classification Scheme 2023. Collection method: clinical testing. Allele origin: germline.

GeneDx
Classification: Uncertain significance. Last evaluated: 2024-03-04. Review status: criteria provided, single submitter. Criteria: GeneDx Variant Classification Process June 2021. Collection method: clinical testing. Allele origin: germline. Affected: yes.
Comment: Has not been previously published as pathogenic or benign to our knowledge; Not observed at significant frequency in large population cohorts (gnomAD); In silico analysis supports that this missense variant has a deleterious effect on protein structure/function

CeGaT Center for Human Genetics Tuebingen
Classification: Uncertain significance. Last evaluated: 2022-10-01. Review status: criteria provided, single submitter. Criteria: CeGaT Center For Human Genetics Tuebingen Variant Classification Criteria Version 2. Collection method: clinical testing. Allele origin: germline. Affected: yes. Observed: 1 variant allele.
Comment: AFG3L2: PM2, PP3

Labcorp Genetics (formerly Invitae), Labcorp
Classification: Uncertain significance. Last evaluated: 2022-09-24. Review status: criteria provided, single submitter. Criteria: Invitae Variant Classification Sherloc (09022015). Collection method: clinical testing. Allele origin: germline.
Comment: Advanced modeling of protein sequence and biophysical properties (such as structural, functional, and spatial information, amino acid conservation, physicochemical variation, residue mobility, and thermodynamic stability) performed at Invitae indicates that this missense variant is expected to disrupt AFG3L2 protein function. In summary, the available evidence is currently insufficient to determine the role of this variant in disease. Therefore, it has been classified as a Variant of Uncertain Significance. This variant has not been reported in the literature in individuals affected with AFG3L2-related conditions. This variant is not present in population databases (gnomAD no frequency). This sequence change replaces glycine, which is neutral and non-polar, with alanine, which is neutral and non-polar, at codon 577 of the AFG3L2 protein (p.Gly577Ala).

NM_006796.3(AFG3L2):c.1730G>C (p.Gly577Ala)

Gene: AFG3L2 (AFG3 like matrix AAA peptidase subunit 2; minus strand). Cytogenetic location: 18p11.21.
Variant type: single nucleotide variant.
Coding change: c.1730G>C on transcript NM_006796.3 (MANE Select); coding-DNA position 1730, G replaced by C.
Protein change: p.Gly577Ala; replaces glycine 577 with alanine.
Molecular consequence: missense variant.
Genome position (GRCh38, 1-based): chr18:12,344,181, C>G on the plus strand (G>C on the coding strand, the complement: AFG3L2 is on the minus strand). VCF-style: chr18-12344181-C-G. GRCh37 (hg19) VCF-style: chr18-12344180-C-G.
Other names: short protein forms G577A.
Identifiers: ClinVar variation 1987882 (VCV001987882.30), dbSNP rs1442855643, ClinGen allele CA401949662.
Genomic context (GRCh38, chr18:12,344,181, plus strand): 5'-CCCTGCTTCACCTTTAAAAGCGGGTCTGCGTGCTCCAGATACCAGCCGGCAACCGCATGG[C>G]CTGCTTCGTGGTATGCCACAGTCTTCTTCTCCTCAGGCTGCAGAACCTGCGTTTTCTTCT-3'
Protein context (NP_006787.2, residues 567-587): EKKTVAYHEA[Gly577Ala]HAVAGWYLEH